The following is an entry in ClinVar:

NM_000179.3(MSH6):c.2255G>C (p.Gly752Ala)

Gene: MSH6 (mutS homolog 6; plus strand). Cytogenetic location: 2p16.3.
Variant type: single nucleotide variant.
Coding change: c.2255G>C on transcript NM_000179.3 (MANE Select); coding-DNA position 2255, G replaced by C.
Protein change: p.Gly752Ala; replaces glycine 752 with alanine.
Molecular consequence: missense variant.
Genome position (GRCh38, 1-based): chr2:47,800,238, G>C. VCF-style: chr2-47800238-G-C. GRCh37 (hg19) VCF-style: chr2-48027377-G-C.
Other names: c.1730G>C, p.Gly577Ala (NM_001406807.1, NM_001406799.1, NM_001406806.1); c.2255G>C, p.Gly752Ala (NM_001406808.1, NM_001406809.1, NM_001406796.1 and 3 more transcripts); c.1349G>C, p.Gly450Ala (NM_001406811.1, NM_001406812.1, NM_001406814.1 and 6 more transcripts); c.2261G>C, p.Gly754Ala (NM_001406813.1); c.1958G>C, p.Gly653Ala (NM_001406818.1, NM_001406828.1, NM_001406830.1 and 10 more transcripts); c.1865G>C, p.Gly622Ala (NM_001281492.2); c.2351G>C, p.Gly784Ala (NM_001406795.1, NM_001406802.1); c.2177G>C, p.Gly726Ala (NM_001406804.1); and 1 more; short protein forms G653A, G696A, G754A, G784A, G450A, G577A, G622A, G726A.
Identifiers: ClinVar variation 2052769 (VCV002052769.4), dbSNP rs2104396566, ClinGen allele CA346752707.

ClinVar aggregate classification (germline): Uncertain significance (1 of 4 stars; one submission).

Conditions:
Hereditary nonpolyposis colorectal neoplasms. Identifiers: MedGen C0009405, MeSH D003123.

Submission:

Labcorp Genetics (formerly Invitae), Labcorp
Classification: Uncertain significance for Hereditary nonpolyposis colorectal neoplasms. Last evaluated: 2023-05-05. Review status: criteria provided, single submitter. Criteria: Invitae Variant Classification Sherloc (09022015). Collection method: clinical testing. Allele origin: germline.
Comment: In summary, the available evidence is currently insufficient to determine the role of this variant in disease. Therefore, it has been classified as a Variant of Uncertain Significance. Advanced modeling of protein sequence and biophysical properties (such as structural, functional, and spatial information, amino acid conservation, physicochemical variation, residue mobility, and thermodynamic stability) has been performed at Invitae for this missense variant, however the output from this modeling did not meet the statistical confidence thresholds required to predict the impact of this variant on MSH6 protein function. ClinVar contains an entry for this variant (Variation ID: 2052769). This variant has not been reported in the literature in individuals affected with MSH6-related conditions. This variant is not present in population databases (gnomAD no frequency). This sequence change replaces glycine, which is neutral and non-polar, with alanine, which is neutral and non-polar, at codon 752 of the MSH6 protein (p.Gly752Ala).